The following is an entry in ClinVar:

ClinVar aggregate classification (germline): Likely pathogenic (1 of 4 stars; one submission).

Conditions:
Primary hyperoxaluria type 3. Also called: PH III. Identifiers: Orphanet 416, Orphanet 93600, MedGen C3150878, MONDO:0013327, OMIM 613616. Disease mechanism: loss of function.

Submission:

Clinical Biochemistry Laboratory, Health Services Laboratory
Classification: Likely pathogenic for Primary hyperoxaluria type 3. Last evaluated: 2023-10-27. Review status: criteria provided, single submitter. Criteria: ACMG Guidelines, 2015. Collection method: curation. Allele origin: germline.
Comment: ACMG:PVS1 PM2

NM_138413.4(HOGA1):c.651dup (p.Gln218fs)

Gene: HOGA1 (4-hydroxy-2-oxoglutarate aldolase 1; plus strand). Cytogenetic location: 10q24.2.
Variant type: Duplication.
Coding change: c.651dup on transcript NM_138413.4 (MANE Select); coding-DNA position 651, one base duplicated (T; older notation c.651dupT).
Protein change: p.Gln218fs; shifts the reading frame from glutamine 218.
Molecular consequence: frameshift variant. On other transcripts: intron variant (1).
Genome position (GRCh38, 1-based): chr10:97,600,114, T duplicated; the last of 4 consecutive T bases (chr10:97,600,111-97,600,114); duplicating any one gives the same sequence. VCF-style (leftmost placement, unchanged base first): chr10-97600110-A-AT. GRCh37 (hg19) VCF-style: chr10-99359867-A-AT.
Other names: c.212-1743dup (NM_001134670.2); c.651dupT (NM_138413.4); short protein forms Q218fs.
Identifiers: ClinVar variation 2664396 (VCV002664396.1), dbSNP rs759146945, ClinGen allele CA5634190.